The following is an entry in ClinVar:

ClinVar aggregate classification (germline): Pathogenic/Likely pathogenic. Review status: criteria provided, multiple submitters, no conflicts (2 of 4 stars). 7 submissions from 7 submitters: Pathogenic (2); Likely pathogenic (4). 1 of the submissions does not count toward it. Last evaluated 2025-11-18.

Conditions:
ATP7B-related disorder. Also called: ATP7B-related condition.
Wilson disease (WND). Also called: Wilson's disease. Identifiers: Orphanet 905, MedGen C0019202, MONDO:0010200, OMIM 277900. Disease mechanism: loss of function.

Allele frequency attached by ClinVar (database versions not stated): gnomAD exomes below 0.00001; TOPMed below 0.00001.
gnomAD v4.1: 4 of 1,613,888 alleles (0.00025%); highest among the groups gnomAD compares: Non-Finnish European, 0.00034%; no homozygotes.

Submissions (7):

Natera, Inc.
Classification: Likely pathogenic for Wilson disease. Last evaluated: 2025-11-18. Review status: criteria provided, single submitter. Criteria: Natera Variant Classification Schema (03/2026). Collection method: clinical testing. Allele origin: germline.
Comment: The c.2962G>C variant in ATP7B is a missense variant predicted to cause substitution of glycine to arginine at amino acid 988. This variant is rare in the general population with a frequency below the threshold expected for the associated phenotype(s). This variant has been observed in one or more individuals affected with the associated recessive disease, as either homozygous or compound heterozygous with a second variant (PMID: 30230192, 30232804, 24668339). Computational prediction algorithms indicate this variant is likely to affect gene or protein function. Given the available evidence, this variant is classified as Likely Pathogenic.

Fulgent Genetics
Classification: Likely pathogenic for Wilson disease. Last evaluated: 2024-05-06. Review status: criteria provided, single submitter. Criteria: ACMG Guidelines, 2015. Collection method: clinical testing. Allele origin: germline.

Labcorp Genetics (formerly Invitae), Labcorp
Classification: Pathogenic for Wilson disease. Last evaluated: 2024-01-31. Review status: criteria provided, single submitter. Criteria: Invitae Variant Classification Sherloc (09022015). Collection method: clinical testing. Allele origin: germline.
Comment: This sequence change replaces glycine, which is neutral and non-polar, with arginine, which is basic and polar, at codon 988 of the ATP7B protein (p.Gly988Arg). This variant is not present in population databases (gnomAD no frequency). This missense change has been observed in individual(s) with Wilson disease (PMID: 16283883, 22677543, 24094725, 24668339, 30230192). ClinVar contains an entry for this variant (Variation ID: 556075). Advanced modeling of protein sequence and biophysical properties (such as structural, functional, and spatial information, amino acid conservation, physicochemical variation, residue mobility, and thermodynamic stability) has been performed at Invitae for this missense variant, however the output from this modeling did not meet the statistical confidence thresholds required to predict the impact of this variant on ATP7B protein function. This variant disrupts the p.Gly988 amino acid residue in ATP7B. Other variant(s) that disrupt this residue have been determined to be pathogenic (PMID: 30702195). This suggests that this residue is clinically significant, and that variants that disrupt this residue are likely to be disease-causing. For these reasons, this variant has been classified as Pathogenic.

Women's Health and Genetics/Laboratory Corporation of America, LabCorp
Classification: Likely pathogenic for Wilson disease. Last evaluated: 2023-09-18. Review status: criteria provided, single submitter. Criteria: LabCorp Variant Classification Summary - May 2015. Collection method: clinical testing. Allele origin: germline.
Comment: Variant summary: ATP7B c.2962G>C (p.Gly988Arg) results in a non-conservative amino acid change in the encoded protein sequence. Five of five in-silico tools predict a damaging effect of the variant on protein function. The variant was absent in 248932 control chromosomes. c.2962G>C has been reported in the literature in multiple individuals affected with Wilson Disease, either at a homozygous state or at a compound heterozygous state along with second pathogenic variant(s) (example,Czlonkowska_2018, Gromadzka_2005, Bost_2012, Chabik_2014, Litwin_2014, Capalbo_2019, Ferenci_2019). These data indicate that the variant is likely to be associated with disease. To our knowledge, no experimental evidence demonstrating an impact on protein function has been reported. Additionally, several missense variants at the Gly988 residue have been reported in cases with Wilson Disease (c.2962G>A(p.G988R), c.2963G>A(p.G988E), c.2963G>T(p.G988V)), suggesting that this codon might be functionally important. These data indicate that the variant is very likely to be associated with disease. The following publications have been ascertained in the context of this evaluation (PMID: 22677543, 31589614, 23774950, 29418065, 30232804, 16283883, 24668339). Two submitters have cited clinical-significance assessments for this variant to ClinVar after 2014 (pathogenic, n=1; likely pathogenic, n=1). Based on the evidence outlined above, the variant was classified as likely pathogenic.

Baylor Genetics
Classification: Likely pathogenic for Wilson disease. Last evaluated: 2023-05-25. Review status: criteria provided, single submitter. Criteria: ACMG Guidelines, 2015. Collection method: clinical testing. Allele origin: unknown.

Blueprint Genetics
Classification: Pathogenic for ATP7B-related disorders. Last evaluated: 2023-02-03. Review status: criteria provided, single submitter. Criteria: ACMG Guidelines, 2015. Collection method: clinical testing. Allele origin: germline. Affected: yes. Observed: 1 variant allele.

Counsyl
Classification: Likely pathogenic for Wilson disease. Last evaluated: 2018-01-10. Review status: no assertion criteria provided. Collection method: clinical testing. Allele origin: unknown. Not counted in ClinVar's aggregate classification.

Literature cited by the submitters: PubMed 30230192 (cited by Natera, Inc. and Labcorp Genetics (formerly Invitae), Labcorp); PubMed 30232804 (cited by Natera, Inc. and Women's Health and Genetics/Laboratory Corporation of America, LabCorp); PubMed 24668339 (cited by 4 submitters); PubMed 16283883 (cited by 3 submitters); PubMed 22677543 (cited by 3 submitters); PubMed 24094725 (cited by Labcorp Genetics (formerly Invitae), Labcorp and Counsyl); PubMed 30702195 (cited by Labcorp Genetics (formerly Invitae), Labcorp); PubMed 29418065 (cited by Women's Health and Genetics/Laboratory Corporation of America, LabCorp); PubMed 31589614 (cited by Women's Health and Genetics/Laboratory Corporation of America, LabCorp); PubMed 23774950 (cited by Women's Health and Genetics/Laboratory Corporation of America, LabCorp); PubMed 21334398 (cited by Counsyl); PubMed 22692182 (cited by Counsyl).

NM_000053.4(ATP7B):c.2962G>C (p.Gly988Arg)

Gene: ATP7B (ATPase copper transporting beta; minus strand). Cytogenetic location: 13q14.3.
Variant type: single nucleotide variant.
Coding change: c.2962G>C on transcript NM_000053.4 (MANE Select); coding-DNA position 2962, G replaced by C.
Protein change: p.Gly988Arg; replaces glycine 988 with arginine.
Molecular consequence: missense variant.
Genome position (GRCh38, 1-based): chr13:51,946,382, C>G on the plus strand (G>C on the coding strand, the complement: ATP7B is on the minus strand). VCF-style: chr13-51946382-C-G. GRCh37 (hg19) VCF-style: chr13-52520518-C-G.
Other names: c.2341G>C, p.Gly781Arg (NM_001005918.3); c.2629G>C, p.Gly877Arg (NM_001243182.2); c.2728G>C, p.Gly910Arg (NM_001330578.2); c.2710G>C, p.Gly904Arg (NM_001330579.2); short protein forms G988R, G781R, G904R, G910R, G877R.
Identifiers: ClinVar variation 556075 (VCV000556075.11), dbSNP rs199623434, ClinGen allele CA250082177.
Genomic context (GRCh38, chr13:51,946,382, plus strand): 5'-GGATGCCGTTCTGCGCGGCCACCCCGGTGCCCACCATGACAGCCGTGGGCGTGGCCAGCC[C>G]CAGGGAGCAGGGGCAGGCAATGCACAGCACCGTGATGGACGTCTGGAAAGCAAACCGGAT-3'
Protein context (NP_000044.2, residues 978-998): VLCIACPCSL[Gly988Arg]LATPTAVMVG